The following is an entry in ClinVar:

NM_000539.3(RHO):c.209C>A (p.Thr70Lys)

Gene: RHO (rhodopsin; plus strand). Cytogenetic location: 3q22.1.
Variant type: single nucleotide variant.
Coding change: c.209C>A on transcript NM_000539.3 (MANE Select); coding-DNA position 209, C replaced by A.
Protein change: p.Thr70Lys; replaces threonine 70 with lysine.
Molecular consequence: missense variant.
Genome position (GRCh38, 1-based): chr3:129,528,942, C>A. VCF-style: chr3-129528942-C-A. GRCh37 (hg19) VCF-style: chr3-129247785-C-A.
Other names: short protein forms T70K.
Identifiers: ClinVar variation 4808882 (VCV004808882.1).

ClinVar aggregate classification (germline): Uncertain significance (1 of 4 stars; one submission).

Submission:

Labcorp Genetics (formerly Invitae), Labcorp
Classification: Uncertain significance. Last evaluated: 2025-11-25. Review status: criteria provided, single submitter. Criteria: Invitae Variant Classification Sherloc (09022015). Collection method: clinical testing. Allele origin: germline.
Comment: This sequence change replaces threonine, which is neutral and polar, with lysine, which is basic and polar, at codon 70 of the RHO protein (p.Thr70Lys). This variant is not present in population databases (gnomAD no frequency). This variant has not been reported in the literature in individuals affected with RHO-related conditions. Invitae Evidence Modeling of protein sequence and biophysical properties (such as structural, functional, and spatial information, amino acid conservation, physicochemical variation, residue mobility, and thermodynamic stability) has been performed for this missense variant. However, the output from this modeling did not meet the statistical confidence thresholds required to predict the impact of this variant on RHO protein function. In summary, the available evidence is currently insufficient to determine the role of this variant in disease. Therefore, it has been classified as a Variant of Uncertain Significance.